The following is an entry in ClinVar:

ClinVar aggregate classification (germline): Pathogenic (1 of 4 stars; one submission).

Conditions:
ABCA4-related disorder. Also called: ABCA4-related condition; ABCA4-related disorders. Identifiers: MedGen CN239167.

Submission:

PreventionGenetics, part of Exact Sciences
Classification: Pathogenic for ABCA4-related condition. Last evaluated: 2024-12-13. Review status: criteria provided, single submitter. Criteria: ACMG Guidelines, 2015. Collection method: clinical testing. Allele origin: germline.
Comment: The ABCA4 c.6592C>T variant is predicted to result in premature protein termination (p.Gln2198*). This variant has been reported along with a second ABCA4 variant in individuals with Stargardt disease or retinitis pigmentosa (Table S5B, Huang et al. 2018. PubMed ID: 29641573; Table S2A, Cornelis et al. 2022. PubMed ID: 35120629). This variant has not been reported in a large population database (gnomAD), indicating this variant is rare. Nonsense variants in ABCA4 are expected to be pathogenic. This variant is interpreted as pathogenic.

NM_000350.3(ABCA4):c.6592C>T (p.Gln2198Ter)

Gene: ABCA4 (ATP binding cassette subfamily A member 4; minus strand). Cytogenetic location: 1p22.1.
Variant type: single nucleotide variant.
Coding change: c.6592C>T on transcript NM_000350.3 (MANE Select); coding-DNA position 6592, C replaced by T.
Protein change: p.Gln2198Ter; replaces glutamine 2198 with a stop codon.
Molecular consequence: nonsense.
Genome position (GRCh38, 1-based): chr1:93,997,998, G>A on the plus strand (C>T on the coding strand, the complement: ABCA4 is on the minus strand). VCF-style: chr1-93997998-G-A. GRCh37 (hg19) VCF-style: chr1-94463554-G-A.
Other names: c.6370C>T, p.Gln2124Ter (NM_001425324.1); short protein forms Q2124*, Q2198*.
Identifiers: ClinVar variation 4998586 (VCV004998586.1).
Genomic context (GRCh38, chr1:93,997,998, plus strand): 5'-TCCTCGCCAGGGAGGAGGAGGAGACCTGGAACTGGAGCATGTTGTAGTGCCTCTCCCTCT[G>A]CACACTGCCTGGGAAGTTCCCCTGGAAGAACTGCTCCACAGGGTTCAGGTCAGGAAGCAG-3'